The following is an entry in ClinVar:

NM_021930.6(RINT1):c.956A>G (p.Tyr319Cys)

Gene: RINT1 (RAD50 interactor 1; plus strand). Cytogenetic location: 7q22.3.
Variant type: single nucleotide variant.
Coding change: c.956A>G on transcript NM_021930.6 (MANE Select); coding-DNA position 956, A replaced by G.
Protein change: p.Tyr319Cys; replaces tyrosine 319 with cysteine.
Molecular consequence: missense variant. On other transcripts: 5 prime UTR variant (1), non-coding transcript variant (1), intron variant (1).
Genome position (GRCh38, 1-based): chr7:105,548,670, A>G. VCF-style: chr7-105548670-A-G. GRCh37 (hg19) VCF-style: chr7-105189117-A-G.
Other names: c.722A>G, p.Tyr241Cys (NM_001346599.2); c.-64A>G (NM_001346600.2); c.32A>G, p.Tyr11Cys (NM_001346601.2); c.-27-1385A>G (NM_001346603.2); short protein forms Y319C, Y11C, Y241C.
Identifiers: ClinVar variation 1767404 (VCV001767404.6), dbSNP rs2485128017, ClinGen allele CA368808063.

ClinVar aggregate classification (germline): Uncertain significance. Review status: criteria provided, multiple submitters, no conflicts (2 of 4 stars). 2 submissions from 2 submitters: Uncertain significance (2). Last evaluated 2024-10-05.

Allele frequency attached by ClinVar (database versions not stated): gnomAD exomes below 0.00001.
gnomAD v4.1: 1 of 1,614,154 alleles (0.000062%); highest among the groups gnomAD compares: Non-Finnish European, 0.000085%; no homozygotes.

Submissions (2):

Ambry Genetics
Classification: Uncertain significance. Last evaluated: 2024-10-05. Review status: criteria provided, single submitter. Criteria: Ambry Variant Classification Scheme 2023. Collection method: clinical testing. Allele origin: germline.
Comment: The p.Y319C variant (also known as c.956A>G), located in coding exon 7 of the RINT1 gene, results from an A to G substitution at nucleotide position 956. The tyrosine at codon 319 is replaced by cysteine, an amino acid with highly dissimilar properties. This amino acid position is conserved. In addition, this alteration is predicted to be deleterious by in silico analysis. Since supporting evidence is limited at this time, the clinical significance of this alteration remains unclear.

Labcorp Genetics (formerly Invitae), Labcorp
Classification: Uncertain significance. Last evaluated: 2023-03-25. Review status: criteria provided, single submitter. Criteria: Invitae Variant Classification Sherloc (09022015). Collection method: clinical testing. Allele origin: germline.
Comment: This variant is not present in population databases (gnomAD no frequency). This sequence change replaces tyrosine, which is neutral and polar, with cysteine, which is neutral and slightly polar, at codon 319 of the RINT1 protein (p.Tyr319Cys). In summary, the available evidence is currently insufficient to determine the role of this variant in disease. Therefore, it has been classified as a Variant of Uncertain Significance. Algorithms developed to predict the effect of sequence changes on RNA splicing suggest that this variant may disrupt the consensus splice site. An algorithm developed to predict the effect of missense changes on protein structure and function (PolyPhen-2) suggests that this variant is likely to be disruptive. ClinVar contains an entry for this variant (Variation ID: 1767404). This variant has not been reported in the literature in individuals affected with RINT1-related conditions.